The following is an entry in ClinVar:

ClinVar aggregate classification (germline): Pathogenic (1 of 4 stars; one submission).

Conditions:
Hereditary breast ovarian cancer syndrome. Also called: Hereditary breast and ovarian cancer syndrome; Hereditary breast and ovarian cancer; Hereditary breast and ovarian cancer syndrome (HBOC); Breast and ovarian cancer; Hereditary breast and/or ovarian cancer syndrome; BRCA1- and BRCA2-Associated Hereditary Breast and Ovarian Cancer. Identifiers: Orphanet 145, MedGen C0677776, MeSH D061325, MONDO:0003582. Disease mechanism: loss of function.

Submission:

Labcorp Genetics (formerly Invitae), Labcorp
Classification: Pathogenic for Hereditary breast ovarian cancer syndrome. Last evaluated: 2024-01-21. Review status: criteria provided, single submitter. Criteria: Invitae Variant Classification Sherloc (09022015). Collection method: clinical testing. Allele origin: unknown.
Comment: This variant results in the deletion of part of exon 3 (c.105_134+1007delinsTCCTTGAT) of the BRCA1 gene. RNA analysis indicates that this variant induces altered splicing and may result in an absent or disrupted protein product. This variant has not been reported in the literature in individuals affected with BRCA1-related conditions. ClinVar contains an entry for this variant (Variation ID: 462546). Studies have shown that this variant results in skipping of exon 3 and introduces a premature termination codon (Invitae). The resulting mRNA is expected to undergo nonsense-mediated decay. This variant disrupts a region of the BRCA1 protein in which other variant(s) (p.Cys39Ser) have been determined to be pathogenic (PMID: 9808526, 11320250, 12827452, 17319787, 18500671, 19543972, 21725363, 21922593, 21990134). This suggests that this is a clinically significant region of the protein, and that variants that disrupt it are likely to be disease-causing. For these reasons, this variant has been classified as Pathogenic.

Literature cited by the submitters: PubMed 9808526; PubMed 11320250; PubMed 12827452; PubMed 17319787; PubMed 18500671; PubMed 19543972; PubMed 21725363; PubMed 21922593; PubMed 21990134.

NC_000017.10:g.(?_41266736)_(41267772_?)del

Gene: BRCA1 (BRCA1 DNA repair associated; minus strand). Cytogenetic location: 17q21.31.
Variant type: Deletion.
Identifiers: ClinVar variation 3243013 (VCV003243013.1).